The following is an entry in ClinVar:

NM_001999.4(FBN2):c.2098A>G (p.Thr700Ala)

Gene: FBN2 (fibrillin 2; minus strand). Cytogenetic location: 5q23.3.
Variant type: single nucleotide variant.
Coding change: c.2098A>G on transcript NM_001999.4 (MANE Select); coding-DNA position 2098, A replaced by G.
Protein change: p.Thr700Ala; replaces threonine 700 with alanine.
Molecular consequence: missense variant.
Genome position (GRCh38, 1-based): chr5:128,369,332, T>C on the plus strand (A>G on the coding strand, the complement: FBN2 is on the minus strand). VCF-style: chr5-128369332-T-C. GRCh37 (hg19) VCF-style: chr5-127705025-T-C.
Other names: short protein forms T700A.
Identifiers: ClinVar variation 2889133 (VCV002889133.3), dbSNP rs2479362573, ClinGen allele CA360739329.
Genomic context (GRCh38, chr5:128,369,332, plus strand): 5'-GGAAAGGACGCACACACACTCCTTTCTTGATTCCTCCATAGCAGGTACTGCGCATGTGAG[T>C]ATCTAAAGGAGATACAAAAACAATGACTTGAGGCAGTGATAGAGACAAAGAGATTTCGAA-3'
Protein context (NP_001990.2, residues 690-710): VGMDGRVCVD[Thr700Ala]HMRSTCYGGI

ClinVar aggregate classification (germline): Uncertain significance (1 of 4 stars; one submission).

Conditions:
Congenital contractural arachnodactyly (CCA). Also called: BEALS SYNDROME; Beals-Hecht syndrome; Arthrogryposis, distal, type 9. Identifiers: Orphanet 115, MedGen C0220668, MONDO:0007363, OMIM 121050.

Allele frequency attached by ClinVar (database versions not stated): gnomAD exomes below 0.00001.
gnomAD v4.1: 2 of 1,613,992 alleles (0.00012%); highest among the groups gnomAD compares: South Asian, 0.0011%; no homozygotes.

Submission:

Labcorp Genetics (formerly Invitae), Labcorp
Classification: Uncertain significance for Congenital contractural arachnodactyly. Last evaluated: 2023-01-18. Review status: criteria provided, single submitter. Criteria: Invitae Variant Classification Sherloc (09022015). Collection method: clinical testing. Allele origin: germline.
Comment: In summary, the available evidence is currently insufficient to determine the role of this variant in disease. Therefore, it has been classified as a Variant of Uncertain Significance. Algorithms developed to predict the effect of missense changes on protein structure and function are either unavailable or do not agree on the potential impact of this missense change (SIFT: "Deleterious"; PolyPhen-2: "Possibly Damaging"; Align-GVGD: "Class C0"). This variant has not been reported in the literature in individuals affected with FBN2-related conditions. This variant is not present in population databases (gnomAD no frequency). This sequence change replaces threonine, which is neutral and polar, with alanine, which is neutral and non-polar, at codon 700 of the FBN2 protein (p.Thr700Ala).